The following is an entry in ClinVar:

NM_000038.6(APC):c.1700G>T (p.Gly567Val)

Gene: APC (APC regulator of Wnt signaling pathway; plus strand). Cytogenetic location: 5q22.2.
Variant type: single nucleotide variant.
Coding change: c.1700G>T on transcript NM_000038.6 (MANE Select); coding-DNA position 1700, G replaced by T.
Protein change: p.Gly567Val; replaces glycine 567 with valine.
Molecular consequence: missense variant.
Genome position (GRCh38, 1-based): chr5:112,828,929, G>T. VCF-style: chr5-112828929-G-T. GRCh37 (hg19) VCF-style: chr5-112164626-G-T.
Other names: c.1700G>T, p.Gly567Val (NM_001127510.3, NM_001354895.2, NM_001407450.1); c.1646G>T, p.Gly549Val (NM_001127511.3); c.1754G>T, p.Gly585Val (NM_001354896.2, NM_001407447.1, NM_001407448.1 and 1 more transcripts); c.1730G>T, p.Gly577Val (NM_001354897.2); c.1625G>T, p.Gly542Val (NM_001354898.2); c.1616G>T, p.Gly539Val (NM_001354899.2); c.1577G>T, p.Gly526Val (NM_001354900.2); c.1523G>T, p.Gly508Val (NM_001354901.2, NM_001407453.1); and 11 more; short protein forms G183V, G284V, G407V, G438V, G441V, G466V, G476V, G484V.
Identifiers: ClinVar variation 4801447 (VCV004801447.1).

ClinVar aggregate classification (germline): Uncertain significance (1 of 4 stars; one submission).

Conditions:
Familial adenomatous polyposis 1 (FAP1). Also called: FAMILIAL ADENOMATOUS POLYPOSIS 1, ATTENUATED; POLYPOSIS, ADENOMATOUS INTESTINAL. Identifiers: MedGen C2713442, MONDO:0021056, OMIM 175100. Disease mechanism: loss of function.

Submission:

Labcorp Genetics (formerly Invitae), Labcorp
Classification: Uncertain significance for Familial adenomatous polyposis 1. Last evaluated: 2025-12-21. Review status: criteria provided, single submitter. Criteria: Invitae Variant Classification Sherloc (09022015). Collection method: clinical testing. Allele origin: germline.
Comment: This sequence change replaces glycine, which is neutral and non-polar, with valine, which is neutral and non-polar, at codon 567 of the APC protein (p.Gly567Val). This variant is not present in population databases (gnomAD no frequency). This variant has not been reported in the literature in individuals affected with APC-related conditions. Invitae Evidence Modeling of protein sequence and biophysical properties (such as structural, functional, and spatial information, amino acid conservation, physicochemical variation, residue mobility, and thermodynamic stability) indicates that this missense variant is not expected to disrupt APC protein function with a negative predictive value of 95%. Algorithms developed to predict the effect of sequence changes on RNA splicing suggest that this variant may create or strengthen a splice site. In summary, the available evidence is currently insufficient to determine the role of this variant in disease. Therefore, it has been classified as a Variant of Uncertain Significance.